The following is an entry in ClinVar:

NM_000057.4(BLM):c.2549C>T (p.Pro850Leu)

Gene: BLM (BLM RecQ like helicase; plus strand). Cytogenetic location: 15q26.1.
Variant type: single nucleotide variant.
Coding change: c.2549C>T on transcript NM_000057.4 (MANE Select); coding-DNA position 2549, C replaced by T.
Protein change: p.Pro850Leu; replaces proline 850 with leucine.
Molecular consequence: missense variant.
Genome position (GRCh38, 1-based): chr15:90,769,580, C>T. VCF-style: chr15-90769580-C-T. GRCh37 (hg19) VCF-style: chr15-91312810-C-T.
Other names: c.2549C>T (NM_000057.2); c.2549C>T, p.Pro850Leu (NM_001287246.2, NM_001287247.2); c.1424C>T, p.Pro475Leu (NM_001287248.2); short protein forms P475L, P850L.
Identifiers: ClinVar variation 855601 (VCV000855601.9), dbSNP rs1896244485, ClinGen allele CA393845554.

ClinVar aggregate classification (germline): Uncertain significance. Review status: criteria provided, multiple submitters, no conflicts (2 of 4 stars). 2 submissions from 2 submitters: Uncertain significance (2). Last evaluated 2025-04-16.

Conditions:
Hereditary cancer-predisposing syndrome. Also called: Tumor predisposition; Hereditary neoplastic syndrome; Neoplastic Syndromes, Hereditary; Hereditary Cancer Syndrome. Identifiers: Orphanet 140162, MedGen C0027672, MeSH D009386, MONDO:0015356.
Bloom syndrome (BLM). Also called: Bloom-Torre-Machacek syndrome. Identifiers: Orphanet 125, MedGen C0005859, MONDO:0008876, OMIM 210900.

Allele frequency attached by ClinVar (database versions not stated): gnomAD exomes below 0.00001.
gnomAD v4.1: 1 of 1,613,810 alleles (0.000062%); highest among the groups gnomAD compares: Non-Finnish European, 0.000085%; no homozygotes.

Submissions (2):

Ambry Genetics
Classification: Uncertain significance for Hereditary cancer-predisposing syndrome. Last evaluated: 2025-04-16. Review status: criteria provided, single submitter. Criteria: Ambry Variant Classification Scheme 2023. Collection method: clinical testing. Allele origin: germline.
Comment: The p.P850L variant (also known as c.2549C>T), located in coding exon 11 of the BLM gene, results from a C to T substitution at nucleotide position 2549. The proline at codon 850 is replaced by leucine, an amino acid with similar properties. This amino acid position is conserved. In addition, the in silico prediction for this alteration is inconclusive. Since supporting evidence is limited at this time, the clinical significance of this alteration remains unclear.

Labcorp Genetics (formerly Invitae), Labcorp
Classification: Uncertain significance for Bloom syndrome. Last evaluated: 2024-03-26. Review status: criteria provided, single submitter. Criteria: Invitae Variant Classification Sherloc (09022015). Collection method: clinical testing. Allele origin: germline.
Comment: This sequence change replaces proline, which is neutral and non-polar, with leucine, which is neutral and non-polar, at codon 850 of the BLM protein (p.Pro850Leu). This variant is not present in population databases (gnomAD no frequency). This variant has not been reported in the literature in individuals affected with BLM-related conditions. ClinVar contains an entry for this variant (Variation ID: 855601). Advanced modeling of protein sequence and biophysical properties (such as structural, functional, and spatial information, amino acid conservation, physicochemical variation, residue mobility, and thermodynamic stability) performed at Invitae indicates that this missense variant is not expected to disrupt BLM protein function with a negative predictive value of 80%. In summary, the available evidence is currently insufficient to determine the role of this variant in disease. Therefore, it has been classified as a Variant of Uncertain Significance.